The following is an entry in ClinVar:

NM_000814.6(GABRB3):c.227C>T (p.Ser76Phe)

Gene: GABRB3 (gamma-aminobutyric acid type A receptor subunit beta3; minus strand). Cytogenetic location: 15q12.
Variant type: single nucleotide variant.
Coding change: c.227C>T on transcript NM_000814.6 (MANE Select); coding-DNA position 227, C replaced by T.
Protein change: p.Ser76Phe; replaces serine 76 with phenylalanine.
Molecular consequence: missense variant. On other transcripts: 5 prime UTR variant (1).
Genome position (GRCh38, 1-based): chr15:26,772,415, G>A on the plus strand (C>T on the coding strand, the complement: GABRB3 is on the minus strand). VCF-style: chr15-26772415-G-A. GRCh37 (hg19) VCF-style: chr15-27017562-G-A.
Other names: c.-125C>T (NM_001278631.2); c.227C>T, p.Ser76Phe (NM_021912.5); short protein forms S76F.
Identifiers: ClinVar variation 2951781 (VCV002951781.3), dbSNP rs2504093929, ClinGen allele CA391465185.
Genomic context (GRCh38, chr15:26,772,415, plus strand): 5'-CAGCGGGCCGGGGGCTCAGGGACCGCCCTGGGAGGGCGGGCACTCACCATGTTGACTTCG[G>A]AAACCATGTCGATGCTGGCGATGTCGATGTTCATCCCCACGCAGACCGGGGGACCTGCGG-3'
Protein context (NP_000805.1, residues 66-86): NIDIASIDMV[Ser76Phe]EVNMDYTLTM

ClinVar aggregate classification (germline): Uncertain significance (1 of 4 stars; one submission).

Conditions:
Epilepsy, childhood absence, susceptibility to, 1. Also called: Epilepsy, childhood absence 1. Identifiers: Orphanet 64280, MedGen C1838604, MONDO:0020759, OMIM 600131.
Epilepsy, childhood absence, susceptibility to, 5. Identifiers: Orphanet 64280, MedGen C2677087, MONDO:0012843, OMIM 612269.

Submission:

Labcorp Genetics (formerly Invitae), Labcorp
Classification: Uncertain significance for Epilepsy, childhood absence, susceptibility to, 5; Epilepsy, childhood absence, susceptibility to, 1. Last evaluated: 2023-11-17. Review status: criteria provided, single submitter. Criteria: Invitae Variant Classification Sherloc (09022015). Collection method: clinical testing. Allele origin: germline.
Comment: This sequence change replaces serine, which is neutral and polar, with phenylalanine, which is neutral and non-polar, at codon 76 of the GABRB3 protein (p.Ser76Phe). This variant is not present in population databases (gnomAD no frequency). This variant has not been reported in the literature in individuals affected with GABRB3-related conditions. Advanced modeling of protein sequence and biophysical properties (such as structural, functional, and spatial information, amino acid conservation, physicochemical variation, residue mobility, and thermodynamic stability) performed at Invitae indicates that this missense variant is expected to disrupt GABRB3 protein function with a positive predictive value of 95%. In summary, the available evidence is currently insufficient to determine the role of this variant in disease. Therefore, it has been classified as a Variant of Uncertain Significance.